The following is an entry in ClinVar:

NM_020458.4(TTC7A):c.113C>T (p.Thr38Met)

Genes: MCFD2 (multiple coagulation factor deficiency 2, ER cargo receptor complex subunit; minus strand), TTC7A (tetratricopeptide repeat domain 7A; plus strand). Cytogenetic location: 2p21.
Variant type: single nucleotide variant.
Coding change: c.113C>T on transcript NM_020458.4 (MANE Select); coding-DNA position 113, C replaced by T.
Protein change: p.Thr38Met; replaces threonine 38 with methionine.
Molecular consequence: missense variant. On other transcripts: 5 prime UTR variant (2), intron variant (1).
Genome position (GRCh38, 1-based): chr2:46,941,654, C>T. VCF-style: chr2-46941654-C-T. GRCh37 (hg19) VCF-style: chr2-47168793-C-T.
Other names: c.113C>T, p.Thr38Met (NM_001288951.2); c.-792C>T (NM_001288955.2); c.-89G>A (NM_001171508.2); c.10G>A, p.Val4Ile (NM_001171511.3); c.83-8709C>T (NM_001288953.2); short protein forms V4I, T38M.
Identifiers: ClinVar variation 639812 (VCV000639812.9), dbSNP rs1179064463, ClinGen allele CA346715755.
Genomic context (GRCh38, chr2:46,941,654, plus strand): 5'-AGCGCTGCCGCGCCGAGGGCCACTGGGACCGCATGCCGGAGCTGGTCCGGCAGCTGCAGA[C>T]GCTGAGCATGCCCGGCGGCGGAGGTAACAGGCGAGGCAGCCCGAGCGCAGCGTTCACCTT-3'
Protein context (NP_065191.2, residues 28-48): RMPELVRQLQ[Thr38Met]LSMPGGGGNR

ClinVar aggregate classification (germline): Uncertain significance (1 of 4 stars; one submission).

Conditions:
Multiple gastrointestinal atresias. Also called: FAMILIAL INTESTINAL POLYATRESIA SYNDROME; Multiple intestinal atresia. Identifiers: Orphanet 2300, MedGen C0220744, MONDO:0009465.

Allele frequency attached by ClinVar (database versions not stated): TOPMed 0.00001.

Submission:

Labcorp Genetics (formerly Invitae), Labcorp
Classification: Uncertain significance for Multiple gastrointestinal atresias. Last evaluated: 2021-07-21. Review status: criteria provided, single submitter. Criteria: Invitae Variant Classification Sherloc (09022015). Collection method: clinical testing. Allele origin: germline.
Comment: Algorithms developed to predict the effect of missense changes on protein structure and function (SIFT, PolyPhen-2, Align-GVGD) all suggest that this variant is likely to be tolerated, but these predictions have not been confirmed by published functional studies and their clinical significance is uncertain. In summary, the available evidence is currently insufficient to determine the role of this variant in disease. Therefore, it has been classified as a Variant of Uncertain Significance. This variant has not been reported in the literature in individuals with TTC7A-related disease. The frequency data for this variant in the population databases is considered unreliable, as metrics indicate insufficient coverage at this position in the ExAC database. This sequence change replaces threonine with methionine at codon 38 of the TTC7A protein (p.Thr38Met). The threonine residue is weakly conserved and there is a moderate physicochemical difference between threonine and methionine.